The following is an entry in ClinVar:

NM_001164508.2(NEB):c.4506+4A>G

Gene: NEB (nebulin; minus strand). Cytogenetic location: 2q23.3.
Variant type: single nucleotide variant.
Coding change: c.4506+4A>G on transcript NM_001164508.2 (MANE Select); 4 bases into the intron after coding-DNA position 4506, A replaced by G.
Molecular consequence: intron variant.
Genome position (GRCh38, 1-based): chr2:151,671,019, T>C on the plus strand (A>G on the coding strand, the complement: NEB is on the minus strand). VCF-style: chr2-151671019-T-C. GRCh37 (hg19) VCF-style: chr2-152527533-T-C.
Other names: c.4506+4A>G (NM_004543.5, NM_001164507.2, NM_001271208.2).
Identifiers: ClinVar variation 2045220 (VCV002045220.1), dbSNP rs2552260059, ClinGen allele CA2580064036.

ClinVar aggregate classification (germline): Uncertain significance (1 of 4 stars; one submission).

Conditions:
Nemaline myopathy 2 (NEM2). Also called: Nemaline myopathy 2, autosomal recessive. Identifiers: MedGen C1850569, MONDO:0009725, OMIM 256030.

Allele frequency attached by ClinVar (database versions not stated): gnomAD exomes below 0.00001.
gnomAD v4.1: 2 of 1,612,288 alleles (0.00012%); highest among the groups gnomAD compares: Non-Finnish European, 0.00017%; no homozygotes.

Submission:

Labcorp Genetics (formerly Invitae), Labcorp
Classification: Uncertain significance for Nemaline myopathy 2. Last evaluated: 2022-07-27. Review status: criteria provided, single submitter. Criteria: Invitae Variant Classification Sherloc (09022015). Collection method: clinical testing. Allele origin: germline.
Comment: This sequence change falls in intron 38 of the NEB gene. It does not directly change the encoded amino acid sequence of the NEB protein. It affects a nucleotide within the consensus splice site. This variant is not present in population databases (gnomAD no frequency). This variant has not been reported in the literature in individuals affected with NEB-related conditions. Variants that disrupt the consensus splice site are a relatively common cause of aberrant splicing (PMID: 17576681, 9536098). Algorithms developed to predict the effect of sequence changes on RNA splicing suggest that this variant may disrupt the consensus splice site. In summary, the available evidence is currently insufficient to determine the role of this variant in disease. Therefore, it has been classified as a Variant of Uncertain Significance.

Literature cited by the submitters: PubMed 17576681; PubMed 9536098.